The following is an entry in ClinVar:

ClinVar aggregate classification (germline): Likely benign. Review status: criteria provided, multiple submitters, no conflicts (2 of 4 stars). 3 submissions from 3 submitters: Likely benign (2). 1 of the submissions does not count toward it. Last evaluated 2026-02-24.

Conditions:
COL18A1-related disorder. Also called: COL18A1-related disorders; COL18A1-related condition.

Allele frequency attached by ClinVar (database versions not stated): gnomAD 0.00003; gnomAD exomes 0.00003 and 0.00004; TOPMed 0.00003; ExAC 0.00004; 1000 Genomes Project 30x 0.00016; 1000 Genomes Project 0.00020.
gnomAD v4.1: 62 of 1,613,344 alleles (0.0038%); highest among the groups gnomAD compares: Middle Eastern, 0.066%; no homozygotes.

Submissions (3):

Women's Health and Genetics/Laboratory Corporation of America, LabCorp
Classification: Likely benign. Last evaluated: 2026-02-24. Review status: criteria provided, single submitter. Criteria: LabCorp Variant Classification Summary - May 2015. Collection method: clinical testing. Allele origin: germline.
Comment: Variant summary: COL18A1 c.107-12421C>T is located at a position not widely known to affect splicing. Consensus agreement among computation tools predict no significant impact on normal splicing. However, these predictions have yet to be confirmed by functional studies. The variant allele was found at a frequency of 3.2e-05 in 248650 control chromosomes. The available data on variant occurrences in the general population are insufficient to allow any conclusion about variant significance. To our knowledge, no occurrence of c.107-12421C>T in individuals affected with COL18A1-related conditions and no experimental evidence demonstrating its impact on protein function have been reported. ClinVar contains an entry for this variant (Variation ID: 1539268). Based on the evidence outlined above, the variant was classified as likely benign.

Labcorp Genetics (formerly Invitae), Labcorp
Classification: Likely benign. Last evaluated: 2025-12-01. Review status: criteria provided, single submitter. Criteria: Invitae Variant Classification Sherloc (09022015). Collection method: clinical testing. Allele origin: germline.

PreventionGenetics, part of Exact Sciences
Classification: Likely benign for COL18A1-related condition. Last evaluated: 2019-08-13. Review status: no assertion criteria provided. Collection method: clinical testing. Allele origin: germline. Not counted in ClinVar's aggregate classification.
Comment: This variant is classified as likely benign based on ACMG/AMP sequence variant interpretation guidelines (Richards et al. 2015 PMID: 25741868, with internal and published modifications).

NM_001379500.1(COL18A1):c.107-12421C>T

Gene: COL18A1 (collagen type XVIII alpha 1 chain; plus strand). Cytogenetic location: 21q22.3.
Variant type: single nucleotide variant.
Coding change: c.107-12421C>T on transcript NM_001379500.1 (MANE Select); 12421 bases into the intron before coding-DNA position 107, C replaced by T.
Molecular consequence: intron variant. On other transcripts: synonymous variant (2).
Genome position (GRCh38, 1-based): chr21:45,455,821, C>T. VCF-style: chr21-45455821-C-T. GRCh37 (hg19) VCF-style: chr21-46875735-C-T.
Other names: c.291C>T, p.Ala97= (NM_030582.4, NM_130444.3); c.291C>T (NM_030582.3).
Identifiers: ClinVar variation 1539268 (VCV001539268.11), dbSNP rs201529109, ClinGen allele CA10065427.